The following is an entry in ClinVar:

NM_020247.5(COQ8A):c.297C>T (p.Pro99=)

Gene: COQ8A (coenzyme Q8A; plus strand). Cytogenetic location: 1q42.13.
Variant type: single nucleotide variant.
Coding change: c.297C>T on transcript NM_020247.5 (MANE Select); coding-DNA position 297, C replaced by T.
Protein change: p.Pro99=; no amino-acid change (proline 99 retained).
Molecular consequence: synonymous variant.
Genome position (GRCh38, 1-based): chr1:226,965,119, C>T. VCF-style: chr1-226965119-C-T. GRCh37 (hg19) VCF-style: chr1-227152820-C-T.
Identifiers: ClinVar variation 874635 (VCV000874635.10), dbSNP rs543084403, ClinGen allele CA1424981.
Genomic context (GRCh38, chr1:226,965,119, plus strand): 5'-CCACTTCTCAGTCCCGCATGCAGCCGGAGCCTCCACAGACTTCTCTTCAGCCTCCGCTCC[C>T]GACCAGTCAGCGCCCCCATCCCTGGGTCATGCCCACAGCGAGGGCCCAGCTCCTGCCTAC-3'
Protein context (NP_064632.2, residues 89-109): ASTDFSSASA[Pro99=]DQSAPPSLGH

ClinVar aggregate classification (germline): Conflicting classifications of pathogenicity. Review status: criteria provided, conflicting classifications (1 of 4 stars). 3 submissions from 3 submitters: Uncertain significance (1); Likely benign (1). 1 of the submissions does not count toward it. Last evaluated 2025-12-14.

Conditions:
Autosomal recessive ataxia due to ubiquinone deficiency. Also called: SPINOCEREBELLAR ATAXIA, AUTOSOMAL RECESSIVE 9; Coenzyme Q10 deficiency, primary, 4. Identifiers: Orphanet 139485, MedGen C2677589, MONDO:0012784, OMIM 612016.
COQ8A-related disorder. Also called: COQ8A-related condition.

Allele frequency attached by ClinVar (database versions not stated): gnomAD 0.00001 and 0.00003; TOPMed 0.00002; 1000 Genomes Project 30x 0.00016; 1000 Genomes Project 0.00020.
gnomAD v4.1: 44 of 1,613,998 alleles (0.0027%); highest among the groups gnomAD compares: South Asian, 0.029%; no homozygotes.

Submissions (3):

Labcorp Genetics (formerly Invitae), Labcorp
Classification: Likely benign. Last evaluated: 2025-12-14. Review status: criteria provided, single submitter. Criteria: Invitae Variant Classification Sherloc (09022015). Collection method: clinical testing. Allele origin: germline.

Illumina Laboratory Services, Illumina
Classification: Uncertain significance for Autosomal recessive ataxia due to ubiquinone deficiency. Last evaluated: 2018-01-13. Review status: criteria provided, single submitter. Criteria: ICSL Variant Classification Criteria 13 December 2019. Collection method: clinical testing. Allele origin: germline.

PreventionGenetics, part of Exact Sciences
Classification: Likely benign for COQ8A-related condition. Last evaluated: 2019-06-19. Review status: no assertion criteria provided. Collection method: clinical testing. Allele origin: germline. Not counted in ClinVar's aggregate classification.
Comment: This variant is classified as likely benign based on ACMG/AMP sequence variant interpretation guidelines (Richards et al. 2015 PMID: 25741868, with internal and published modifications).